The following is an entry in ClinVar:

ClinVar aggregate classification (germline): Uncertain significance (1 of 4 stars; one submission).

Conditions:
Arrhythmogenic right ventricular dysplasia 9 (ARVD9). Also called: Arrhythmogenic Right Ventricular Dysplasia/Cardiomyopathy 9; ARRHYTHMOGENIC RIGHT VENTRICULAR DYSPLASIA, FAMILIAL, 9. Identifiers: MedGen C1836906, MONDO:0012180, OMIM 609040.

Allele frequency attached by ClinVar (database versions not stated): gnomAD exomes below 0.00001.
gnomAD v4.1: 2 of 1,612,304 alleles (0.00012%); highest among the groups gnomAD compares: Non-Finnish European, 0.00017%; no homozygotes.

Submission:

Labcorp Genetics (formerly Invitae), Labcorp
Classification: Uncertain significance for Arrhythmogenic right ventricular dysplasia 9. Last evaluated: 2019-07-11. Review status: criteria provided, single submitter. Criteria: Invitae Variant Classification Sherloc (09022015). Collection method: clinical testing. Allele origin: germline.
Comment: In summary, the available evidence is currently insufficient to determine the role of this variant in disease. Therefore, it has been classified as a Variant of Uncertain Significance. Nucleotide substitutions within the consensus splice site are a relatively common cause of aberrant splicing (PMID: 17576681, 9536098). Algorithms developed to predict the effect of sequence changes on RNA splicing suggest that this variant may disrupt the consensus splice site, but this prediction has not been confirmed by published transcriptional studies. This variant has not been reported in the literature in individuals with PKP2-related conditions. This variant is not present in population databases (ExAC no frequency). This sequence change falls in intron 13 of the PKP2 gene. It does not directly change the encoded amino acid sequence of the PKP2 protein, but it affects a nucleotide within the consensus splice site of the intron.

Literature cited by the submitters: PubMed 17576681; PubMed 9536098.

NM_001005242.3(PKP2):c.2445+3A>G

Gene: PKP2 (plakophilin 2; minus strand). Cytogenetic location: 12p11.21.
Variant type: single nucleotide variant.
Coding change: c.2445+3A>G on transcript NM_001005242.3 (MANE Select); 3 bases into the intron after coding-DNA position 2445, A replaced by G.
Molecular consequence: intron variant.
Genome position (GRCh38, 1-based): chr12:32,792,641, T>C on the plus strand (A>G on the coding strand, the complement: PKP2 is on the minus strand). VCF-style: chr12-32792641-T-C. GRCh37 (hg19) VCF-style: chr12-32945575-T-C.
Other names: c.2577+3A>G (NM_004572.4).
Identifiers: ClinVar variation 954103 (VCV000954103.7), dbSNP rs1956080399, ClinGen allele CA1139662554.
Genomic context (GRCh38, chr12:32,792,641, plus strand): 5'-GTCAAGTGGGCCATTATTACCTGGCTCTGTTAACTATGACACATTCCTTGTTCATGTTCT[T>C]ACCTTCTTGTAGGCATGATGCAGTTCCGTGTGTGCCCACAGAGAATACAGAAGGACGGAA-3'